The following is an entry in ClinVar:

NM_007074.4(CORO1A):c.1068G>A (p.Ser356=)

Gene: CORO1A (coronin 1A; plus strand). Cytogenetic location: 16p11.2.
Variant type: single nucleotide variant.
Coding change: c.1068G>A on transcript NM_007074.4 (MANE Select); coding-DNA position 1068, G replaced by A.
Protein change: p.Ser356=; no amino-acid change (serine 356 retained).
Molecular consequence: synonymous variant.
Genome position (GRCh38, 1-based): chr16:30,188,363, G>A. VCF-style: chr16-30188363-G-A. GRCh37 (hg19) VCF-style: chr16-30199684-G-A.
Other names: c.1068G>A, p.Ser356= (NM_001193333.3).
Identifiers: ClinVar variation 2077201 (VCV002077201.2), dbSNP rs752449610, ClinGen allele CA8003390.
Genomic context (GRCh38, chr16:30,188,363, plus strand): 5'-CTTGTGGGGGGTGTCCTGGCATAAGCGCTTTCCTCACTATCCCTGGCCTTGCCCACAGTC[G>A]GACCTGTTCCAGGAGGACCTGTACCCACCCACCGCAGGGCCCGACCCTGCCCTCACGGCT-3'
Protein context (NP_009005.1, residues 346-366): EPIAMTVPRK[Ser356=]DLFQEDLYPP

ClinVar aggregate classification (germline): Conflicting classifications of pathogenicity. Review status: criteria provided, conflicting classifications (1 of 4 stars). 2 submissions from 2 submitters: Uncertain significance (1); Likely benign (1). Last evaluated 2024-09-05.

Conditions:
Severe combined immunodeficiency due to CORO1A deficiency. Also called: IMMUNODEFICIENCY 8 WITH LYMPHOPROLIFERATION; Immunodeficiency 8. Identifiers: Orphanet 228003, MedGen C3809383, MONDO:0014168, OMIM 615401.

Allele frequency attached by ClinVar (database versions not stated): ExAC 0.00001; gnomAD 0.00003; TOPMed 0.00003.
gnomAD v4.1: 54 of 1,613,748 alleles (0.0033%); highest among the groups gnomAD compares: Non-Finnish European, 0.0042%; no homozygotes.

Submissions (2):

Blueprint Genetics
Classification: Likely benign. Last evaluated: 2024-09-05. Review status: criteria provided, single submitter. Criteria: ACMG Guidelines, 2015. Collection method: clinical testing. Allele origin: germline.

Labcorp Genetics (formerly Invitae), Labcorp
Classification: Uncertain significance for Severe combined immunodeficiency due to CORO1A deficiency. Last evaluated: 2022-04-02. Review status: criteria provided, single submitter. Criteria: Invitae Variant Classification Sherloc (09022015). Collection method: clinical testing. Allele origin: germline.
Comment: This sequence change affects codon 356 of the CORO1A mRNA. It is a 'silent' change, meaning that it does not change the encoded amino acid sequence of the CORO1A protein. This variant is present in population databases (rs752449610, gnomAD 0.007%). This variant has not been reported in the literature in individuals affected with CORO1A-related conditions. Algorithms developed to predict the effect of sequence changes on RNA splicing suggest that this variant may create or strengthen a splice site. In summary, the available evidence is currently insufficient to determine the role of this variant in disease. Therefore, it has been classified as a Variant of Uncertain Significance.